The following is an entry in ClinVar:

NM_002734.5(PRKAR1A):c.73C>T (p.His25Tyr)

Gene: PRKAR1A (protein kinase cAMP-dependent type I regulatory subunit alpha; plus strand). Cytogenetic location: 17q24.2.
Variant type: single nucleotide variant.
Coding change: c.73C>T on transcript NM_002734.5 (MANE Select); coding-DNA position 73, C replaced by T.
Protein change: p.His25Tyr; replaces histidine 25 with tyrosine.
Molecular consequence: missense variant.
Genome position (GRCh38, 1-based): chr17:68,515,472, C>T. VCF-style: chr17-68515472-C-T. GRCh37 (hg19) VCF-style: chr17-66511613-C-T.
Other names: c.73C>T, p.His25Tyr (NM_001276289.2, NM_001276290.1, NM_001278433.2 and 4 more transcripts); short protein forms H25Y.
Identifiers: ClinVar variation 661103 (VCV000661103.17), dbSNP rs140795787, ClinGen allele CA8729152.

ClinVar aggregate classification (germline): Uncertain significance. Review status: criteria provided, multiple submitters, no conflicts (2 of 4 stars). 4 submissions from 4 submitters: Uncertain significance (4). Last evaluated 2026-06-28.

Conditions:
Acrodysostosis 1 with or without hormone resistance (ACRDYS1). Also called: ACRODYSOSTOSIS WITH HORMONE RESISTANCE; ACRODYSOSTOSIS 1 WITH HORMONE RESISTANCE; ACRODYSOSTOSIS 1 WITHOUT HORMONE RESISTANCE. Identifiers: Orphanet 280651, MedGen C3276228, MONDO:0007044, OMIM 101800.
Hereditary cancer-predisposing syndrome. Also called: Neoplastic Syndromes, Hereditary; Tumor predisposition; Hereditary Cancer Syndrome; Hereditary neoplastic syndrome. Identifiers: Orphanet 140162, MedGen C0027672, MeSH D009386, MONDO:0015356.
Carney complex, type 1 (CNC1). Also called: CARNEY COMPLEX, TYPE I; CARNEY MYXOMA-ENDOCRINE COMPLEX. Identifiers: Orphanet 1359, MedGen C2607929, MONDO:0008057, OMIM 160980.

Allele frequency attached by ClinVar (database versions not stated): gnomAD exomes below 0.00001; ExAC 0.00001; gnomAD 0.00002; TOPMed 0.00002; ESP Exome Variant Server 0.00008.
gnomAD v4.1: 4 of 1,613,542 alleles (0.00025%); highest among the groups gnomAD compares: African/African-American, 0.004%; no homozygotes.

Submissions (4):

Women's Health and Genetics/Laboratory Corporation of America, LabCorp
Classification: Uncertain significance. Last evaluated: 2026-06-28. Review status: criteria provided, single submitter. Criteria: LabCorp Variant Classification Summary - May 2015. Collection method: clinical testing. Allele origin: germline.

Labcorp Genetics (formerly Invitae), Labcorp
Classification: Uncertain significance for Carney complex, type 1. Last evaluated: 2025-06-12. Review status: criteria provided, single submitter. Criteria: Invitae Variant Classification Sherloc (09022015). Collection method: clinical testing. Allele origin: germline.
Comment: This sequence change replaces histidine, which is basic and polar, with tyrosine, which is neutral and polar, at codon 25 of the PRKAR1A protein (p.His25Tyr). The frequency data for this variant in the population databases is considered unreliable, as metrics indicate poor data quality at this position in the gnomAD database. This variant has not been reported in the literature in individuals affected with PRKAR1A-related conditions. ClinVar contains an entry for this variant (Variation ID: 661103). Invitae Evidence Modeling of protein sequence and biophysical properties (such as structural, functional, and spatial information, amino acid conservation, physicochemical variation, residue mobility, and thermodynamic stability) has been performed for this missense variant. However, the output from this modeling did not meet the statistical confidence thresholds required to predict the impact of this variant on PRKAR1A protein function. In summary, the available evidence is currently insufficient to determine the role of this variant in disease. Therefore, it has been classified as a Variant of Uncertain Significance.

Baylor Genetics
Classification: Uncertain significance for Acrodysostosis 1 with or without hormone resistance. Last evaluated: 2024-03-26. Review status: criteria provided, single submitter. Criteria: ACMG Guidelines, 2015. Collection method: clinical testing. Allele origin: unknown.

Ambry Genetics
Classification: Uncertain significance for Hereditary cancer-predisposing syndrome. Last evaluated: 2024-02-26. Review status: criteria provided, single submitter. Criteria: Ambry Variant Classification Scheme 2023. Collection method: clinical testing. Allele origin: germline.
Comment: The p.H25Y variant (also known as c.73C>T), located in coding exon 1 of the PRKAR1A gene, results from a C to T substitution at nucleotide position 73. The histidine at codon 25 is replaced by tyrosine, an amino acid with similar properties. This amino acid position is highly conserved in available vertebrate species. In addition, the in silico prediction for this alteration is inconclusive. Since supporting evidence is limited at this time, the clinical significance of this alteration remains unclear.